The following is an entry in ClinVar:

ClinVar aggregate classification (germline): Likely pathogenic. Review status: criteria provided, multiple submitters, no conflicts (2 of 4 stars). 2 submissions from 2 submitters: Likely pathogenic (2). Last evaluated 2023-12-13.

Conditions:
PROC-related disorder. Also called: PROC-related condition.

Allele frequency attached by ClinVar (database versions not stated): TOPMed below 0.00001; ExAC 0.00001; gnomAD 0.00001; gnomAD exomes 0.00001.
gnomAD v4.1: 13 of 1,613,496 alleles (0.00081%); highest among the groups gnomAD compares: Non-Finnish European, 0.001%; no homozygotes.

Submissions (2):

Mayo Clinic Laboratories, Mayo Clinic
Classification: Likely pathogenic. Last evaluated: 2023-12-13. Review status: criteria provided, single submitter. Criteria: ACMG Guidelines, 2015. Collection method: clinical testing. Allele origin: germline.
Comment: PP3, PM1, PM2_moderate, PM5

Blueprint Genetics
Classification: Likely pathogenic for PROC-related disorders. Last evaluated: 2023-08-09. Review status: criteria provided, single submitter. Criteria: ACMG Guidelines, 2015. Collection method: clinical testing. Allele origin: germline. Affected: yes. Observed: 1 variant allele.

NM_000312.4(PROC):c.1298G>A (p.Gly433Asp)

Gene: PROC (protein C, inactivator of coagulation factors Va and VIIIa; plus strand). Cytogenetic location: 2q14.3.
Variant type: single nucleotide variant.
Coding change: c.1298G>A on transcript NM_000312.4 (MANE Select); coding-DNA position 1298, G replaced by A.
Protein change: p.Gly433Asp; replaces glycine 433 with aspartic acid.
Molecular consequence: missense variant.
Genome position (GRCh38, 1-based): chr2:127,428,858, G>A. VCF-style: chr2-127428858-G-A. GRCh37 (hg19) VCF-style: chr2-128186434-G-A.
Other names: p.Gly433Asp; c.1481G>A, p.Gly494Asp (NM_001375602.1); c.1463G>A, p.Gly488Asp (NM_001375603.1); c.1361G>A, p.Gly454Asp (NM_001375604.1); c.1400G>A, p.Gly467Asp (NM_001375605.1); c.1466G>A, p.Gly489Asp (NM_001375606.1); c.1484G>A, p.Gly495Asp (NM_001375607.1); c.1241G>A, p.Gly414Asp (NM_001375608.1); and 3 more; short protein forms G414D, G425D, G431D, G433D, G454D, G467D, G488D, G489D.
Identifiers: ClinVar variation 2683256 (VCV002683256.3), dbSNP rs750931702, ClinGen allele CA1859562.